The following is an entry in ClinVar:

NM_001022.4(RPS19):c.1-9C>A

Genes: RPS19 (ribosomal protein S19; plus strand), RPS19-CD79A (RPS19-CD79A readthrough; plus strand). Cytogenetic location: 19q13.2.
Variant type: single nucleotide variant.
Coding change: c.1-9C>A on transcript NM_001022.4 (MANE Select); 9 bases into the intron before coding-DNA position 1, C replaced by A.
Molecular consequence: intron variant.
Genome position (GRCh38, 1-based): chr19:41,860,766, C>A. VCF-style: chr19-41860766-C-A. GRCh37 (hg19) VCF-style: chr19-42364836-C-A.
Other names: c.1-9C>A (NM_001321484.2, NM_001321485.2, NM_001321483.2).
Identifiers: ClinVar variation 329390 (VCV000329390.5), dbSNP rs376460080, ClinGen allele CA9465248.

ClinVar aggregate classification (germline): Likely benign (1 of 4 stars; one submission).

Conditions:
Diamond-Blackfan anemia 1 (DBA1). Also called: RPS19-Related Diamond-Blackfan Anemia; ERYTHROGENESIS IMPERFECTA; BLACKFAN-DIAMOND SYNDROME; ANEMIA, CONGENITAL HYPOPLASTIC, OF BLACKFAN AND DIAMOND; ANEMIA, CONGENITAL ERYTHROID HYPOPLASTIC; RED CELL APLASIA, PURE, HEREDITARY. Identifiers: Orphanet 124, MedGen C2676137, MONDO:0007110, OMIM 105650.

Allele frequency attached by ClinVar (database versions not stated): ExAC 0.00002; gnomAD exomes 0.00002; ESP Exome Variant Server 0.00008.
gnomAD v4.1: 3 of 1,610,704 alleles (0.00019%); highest among the groups gnomAD compares: Non-Finnish European, 0.00025%; no homozygotes.

Submission:

Illumina Laboratory Services, Illumina
Classification: Likely benign for Diamond-Blackfan anemia 1. Last evaluated: 2018-01-12. Review status: criteria provided, single submitter. Criteria: ICSL Variant Classification Criteria 13 December 2019. Collection method: clinical testing. Allele origin: germline.
Comment: This variant was observed in the ICSL laboratory as part of a predisposition screen in an ostensibly healthy population. It had not been previously curated by ICSL or reported in the Human Gene Mutation Database (HGMD: prior to June 1st, 2018), and was therefore a candidate for classification through an automated scoring system. Utilizing variant allele frequency, disease prevalence and penetrance estimates, and inheritance mode, an automated score was calculated to assess if this variant is too frequent to cause the disease. Based on the score and internal cut-off values, a variant classified as likely benign is not then subjected to further curation. The score for this variant resulted in a classification of likely benign for this disease.